The following is an entry in ClinVar:

NM_144687.4(NLRP12):c.1372C>A (p.Gln458Lys)

Gene: NLRP12 (NLR family pyrin domain containing 12; minus strand). Cytogenetic location: 19q13.42.
Variant type: single nucleotide variant.
Coding change: c.1372C>A on transcript NM_144687.4 (MANE Select); coding-DNA position 1372, C replaced by A.
Protein change: p.Gln458Lys; replaces glutamine 458 with lysine.
Molecular consequence: missense variant.
Genome position (GRCh38, 1-based): chr19:53,810,287, G>T on the plus strand (C>A on the coding strand, the complement: NLRP12 is on the minus strand). VCF-style: chr19-53810287-G-T. GRCh37 (hg19) VCF-style: chr19-54313541-G-T.
Other names: c.1372C>A, p.Gln458Lys (NM_001277126.2, NM_001277129.1); short protein forms Q458K.
Identifiers: ClinVar variation 1478929 (VCV001478929.6), dbSNP rs757979953, ClinGen allele CA407413681.
Genomic context (GRCh38, chr19:53,810,287, plus strand): 5'-CCTCAAATAGGATTTTCTGATTCCAGAGCCCATCTGCCGCCAAGGAGCACAACCCTCTCT[G>T]GTTGGGTGGGGGCTGGAGGCGCGGGGCCCCCGGCTTGGGTTGCATCAGACTCAGCAGGTA-3'
Protein context (NP_653288.1, residues 448-468): GAPRLQPPPN[Gln458Lys]RGLCSLAADG

ClinVar aggregate classification (germline): Uncertain significance (1 of 4 stars; one submission).

Conditions:
Familial cold autoinflammatory syndrome 2 (FCAS2). Identifiers: Orphanet 247868, MedGen C2673198, MONDO:0012724, OMIM 611762.

Submission:

Labcorp Genetics (formerly Invitae), Labcorp
Classification: Uncertain significance for Familial cold autoinflammatory syndrome 2. Last evaluated: 2021-07-30. Review status: criteria provided, single submitter. Criteria: Invitae Variant Classification Sherloc (09022015). Collection method: clinical testing. Allele origin: germline.
Comment: This variant is not present in population databases (ExAC no frequency). This sequence change replaces glutamine with lysine at codon 458 of the NLRP12 protein (p.Gln458Lys). The glutamine residue is highly conserved and there is a small physicochemical difference between glutamine and lysine. This variant has not been reported in the literature in individuals affected with NLRP12-related conditions. In summary, the available evidence is currently insufficient to determine the role of this variant in disease. Therefore, it has been classified as a Variant of Uncertain Significance. Algorithms developed to predict the effect of missense changes on protein structure and function (SIFT, PolyPhen-2, Align-GVGD) all suggest that this variant is likely to be tolerated.